The following is an entry in ClinVar:

ClinVar aggregate classification (germline): Likely pathogenic (1 of 4 stars; one submission).

Conditions:
Glycine encephalopathy. Also called: Non-ketotic hyperglycinemia; Nonketotic hyperglycinemia. Identifiers: Orphanet 407, MedGen C0751748, MONDO:0011612, HP:0008288.

Submission:

Myriad Genetics, Inc.
Classification: Likely pathogenic for Glycine encephalopathy 1. Last evaluated: 2021-11-19. Review status: criteria provided, single submitter. Criteria: Myriad Women's Health Autosomal Recessive and X-Linked Classification Criteria (2021). Collection method: clinical testing. Allele origin: unknown.
Comment: NM_000170.2(GLDC):c.1873G>T(G625*) is expected to be pathogenic in the context of glycine encephalopathy, GLDC-related. This variant is predicted to lead to an abnormal or absent protein product due to the creation of a premature termination codon in GLDC, a gene where loss-of-function variants are known to be pathogenic. Please note: this variant was assessed in the context of healthy population screening.

NM_000170.3(GLDC):c.1873G>T (p.Gly625Ter)

Gene: GLDC (glycine decarboxylase; minus strand). Cytogenetic location: 9p24.1.
Variant type: single nucleotide variant.
Coding change: c.1873G>T on transcript NM_000170.3 (MANE Select); coding-DNA position 1873, G replaced by T.
Protein change: p.Gly625Ter; replaces glycine 625 with a stop codon.
Molecular consequence: nonsense.
Genome position (GRCh38, 1-based): chr9:6,565,407, C>A on the plus strand (G>T on the coding strand, the complement: GLDC is on the minus strand). VCF-style: chr9-6565407-C-A. GRCh37 (hg19) VCF-style: chr9-6565407-C-A.
Other names: short protein forms G625*.
Identifiers: ClinVar variation 1724736 (VCV001724736.2), dbSNP rs2489048081, ClinGen allele CA372884567.